The following is an entry in ClinVar:

NM_199242.3(UNC13D):c.2917A>G (p.Lys973Glu)

Genes: UNC13D (unc-13 homolog D; minus strand), LOC112533672 (Sharpr-MPRA regulatory region 1193; plus strand). Cytogenetic location: 17q25.1.
Variant type: single nucleotide variant.
Coding change: c.2917A>G on transcript NM_199242.3 (MANE Select); coding-DNA position 2917, A replaced by G.
Protein change: p.Lys973Glu; replaces lysine 973 with glutamic acid.
Molecular consequence: missense variant.
Genome position (GRCh38, 1-based): chr17:75,830,065, T>C on the plus strand (A>G on the coding strand, the complement: UNC13D is on the minus strand). VCF-style: chr17-75830065-T-C. GRCh37 (hg19) VCF-style: chr17-73826146-T-C.
Other names: short protein forms K973E.
Identifiers: ClinVar variation 450547 (VCV000450547.13), dbSNP rs373478612, ClinGen allele CA8772346.

ClinVar aggregate classification (germline): Uncertain significance. Review status: criteria provided, multiple submitters, no conflicts (2 of 4 stars). 3 submissions from 3 submitters: Uncertain significance (3). Last evaluated 2024-12-24.

Conditions:
Familial hemophagocytic lymphohistiocytosis 3 (FHL3). Also called: UNC13D-Related Familial Hemophagocytic Lymphohistiocytosis (UNC13D-fHLH). Identifiers: Orphanet 540, MedGen C1837174, MONDO:0012146, OMIM 608898.

Allele frequency attached by ClinVar (database versions not stated): gnomAD 0.00003 and 0.00004; gnomAD exomes 0.00003 and 0.00009; ESP Exome Variant Server 0.00008; TOPMed 0.00011; ExAC 0.00034.
gnomAD v4.1: 49 of 1,577,098 alleles (0.0031%); highest among the groups gnomAD compares: Admixed American, 0.03%; no homozygotes.

Submissions (3):

Labcorp Genetics (formerly Invitae), Labcorp
Classification: Uncertain significance for Familial hemophagocytic lymphohistiocytosis 3. Last evaluated: 2024-12-24. Review status: criteria provided, single submitter. Criteria: Invitae Variant Classification Sherloc (09022015). Collection method: clinical testing. Allele origin: germline.
Comment: This sequence change replaces lysine, which is basic and polar, with glutamic acid, which is acidic and polar, at codon 973 of the UNC13D protein (p.Lys973Glu). This variant is present in population databases (rs373478612, gnomAD 0.03%). This variant has not been reported in the literature in individuals affected with UNC13D-related conditions. ClinVar contains an entry for this variant (Variation ID: 450547). Invitae Evidence Modeling of protein sequence and biophysical properties (such as structural, functional, and spatial information, amino acid conservation, physicochemical variation, residue mobility, and thermodynamic stability) indicates that this missense variant is not expected to disrupt UNC13D protein function with a negative predictive value of 80%. In summary, the available evidence is currently insufficient to determine the role of this variant in disease. Therefore, it has been classified as a Variant of Uncertain Significance.

GeneDx
Classification: Uncertain significance. Last evaluated: 2021-08-13. Review status: criteria provided, single submitter. Criteria: GeneDx Variant Classification Process June 2021. Collection method: clinical testing. Allele origin: germline. Affected: yes.
Comment: In silico analysis supports that this missense variant has a deleterious effect on protein structure/function; Has not been previously published as pathogenic or benign to our knowledge

Genetic Services Laboratory, University of Chicago
Classification: Uncertain significance. Last evaluated: 2021-05-24. Review status: criteria provided, single submitter. Criteria: ACMG Guidelines, 2015. Collection method: clinical testing. Allele origin: germline. Affected: no.